The following is an entry in ClinVar:

ClinVar aggregate classification (germline): Uncertain significance (1 of 4 stars; one submission).

Conditions:
Erythrocytosis, familial, 3 (ECYT3). Identifiers: Orphanet 247511, MedGen C1853286, MONDO:0012353, OMIM 609820.

Submission:

Labcorp Genetics (formerly Invitae), Labcorp
Classification: Uncertain significance for Erythrocytosis, familial, 3. Last evaluated: 2024-04-29. Review status: criteria provided, single submitter. Criteria: Invitae Variant Classification Sherloc (09022015). Collection method: clinical testing. Allele origin: germline.
Comment: This variant, c.122_124del, results in the deletion of 1 amino acid(s) of the EGLN1 protein (p.Tyr41del), but otherwise preserves the integrity of the reading frame. This variant is present in population databases (no rsID available, gnomAD 0.01%). This variant has been observed in individual(s) with erythrocytosis (PMID: 34946900). ClinVar contains an entry for this variant (Variation ID: 534225). Experimental studies and prediction algorithms are not available or were not evaluated, and the functional significance of this variant is currently unknown. In summary, the available evidence is currently insufficient to determine the role of this variant in disease. Therefore, it has been classified as a Variant of Uncertain Significance.

Literature cited by the submitters: PubMed 34946900.

NM_022051.3(EGLN1):c.122_124del (p.Tyr41del)

Gene: EGLN1 (egl-9 family hypoxia inducible factor 1; minus strand). Cytogenetic location: 1q42.2.
Variant type: Deletion.
Coding change: c.122_124del on transcript NM_022051.3 (MANE Select); coding-DNA positions 122 to 124, 3 bases deleted (ACT; older notation c.122_124delACT).
Protein change: p.Tyr41del; deletes tyrosine 41.
Molecular consequence: inframe deletion.
Genome position (GRCh38, 1-based): chr1:231,421,765-231,421,767, AGT deleted on the plus strand (ACT on the coding strand, the reverse complement: EGLN1 is on the minus strand); deleting any 3 consecutive bases within chr1:231,421,765-231,421,769 gives the same sequence; the c. name uses the placement nearest the transcript's 3' end. VCF-style (leftmost placement, unchanged base first): chr1-231421764-CAGT-C. GRCh37 (hg19) VCF-style: chr1-231557510-CAGT-C.
Other names: c.122_124del, p.Tyr41del (NM_001377260.1, NM_001377261.1); c.122_124delACT (NM_022051.2); short protein forms Y41del.
Identifiers: ClinVar variation 534225 (VCV000534225.5), dbSNP rs1182227189, ClinGen allele CA529916759.